The following is an entry in ClinVar:

ClinVar aggregate classification (germline): Likely benign. Review status: criteria provided, multiple submitters, no conflicts (2 of 4 stars). 2 submissions from 2 submitters: Likely benign (2). Last evaluated 2025-06-25.

Conditions:
Methylcobalamin deficiency type cblG (HMAG). Also called: HOMOCYSTINURIA-MEGALOBLASTIC ANEMIA, cblG COMPLEMENTATION TYPE; HOMOCYSTINURIA-MEGALOBLASTIC ANEMIA, cblG TYPE; HOMOCYSTINURIA-MEGALOBLASTIC ANEMIA DUE TO DEFECT IN COBALAMIN METABOLISM, cblG COMPLEMENTATION TYPE; Functional methionine synthase deficiency type cblG. Identifiers: Orphanet 2170, Orphanet 622, MedGen C1855128, MONDO:0009609, OMIM 250940.

Allele frequency attached by ClinVar (database versions not stated): gnomAD exomes 0.00001; ExAC 0.00002; gnomAD 0.00002; TOPMed 0.00003.
gnomAD v4.1: 96 of 1,477,144 alleles (0.0065%); highest among the groups gnomAD compares: Non-Finnish European, 0.009%; 1 homozygote.

Submissions (2):

Labcorp Genetics (formerly Invitae), Labcorp
Classification: Likely benign for Methylcobalamin deficiency type cblG. Last evaluated: 2025-06-25. Review status: criteria provided, single submitter. Criteria: Invitae Variant Classification Sherloc (09022015). Collection method: clinical testing. Allele origin: germline.

GeneDx
Classification: Likely benign. Last evaluated: 2016-11-22. Review status: criteria provided, single submitter. Criteria: GeneDx Variant Classification (06012015). Collection method: clinical testing. Allele origin: germline. Affected: yes.
Comment: This variant is considered likely benign or benign based on one or more of the following criteria: it is a conservative change, it occurs at a poorly conserved position in the protein, it is predicted to be benign by multiple in silico algorithms, and/or has population frequency not consistent with disease.

NM_000254.3(MTR):c.2775+17G>T

Gene: MTR (5-methyltetrahydrofolate-homocysteine methyltransferase; plus strand). Cytogenetic location: 1q43.
Variant type: single nucleotide variant.
Coding change: c.2775+17G>T on transcript NM_000254.3 (MANE Select); 17 bases into the intron after coding-DNA position 2775, G replaced by T.
Molecular consequence: intron variant.
Genome position (GRCh38, 1-based): chr1:236,885,236, G>T. VCF-style: chr1-236885236-G-T. GRCh37 (hg19) VCF-style: chr1-237048536-G-T.
Other names: c.2622+17G>T (NM_001291939.1); c.1554+17G>T (NM_001291940.2).
Identifiers: ClinVar variation 391084 (VCV000391084.8), dbSNP rs763995449, ClinGen allele CA1474502.